The following is an entry in ClinVar:

ClinVar aggregate classification (germline): Uncertain significance (1 of 4 stars; one submission).

Allele frequency attached by ClinVar (database versions not stated): gnomAD exomes below 0.00001 and 0.00001; TOPMed below 0.00001.
gnomAD v4.1: 5 of 1,613,888 alleles (0.00031%); highest among the groups gnomAD compares: Non-Finnish European, 0.00042%; no homozygotes.

Submission:

Labcorp Genetics (formerly Invitae), Labcorp
Classification: Uncertain significance. Last evaluated: 2021-09-17. Review status: criteria provided, single submitter. Criteria: Invitae Variant Classification Sherloc (09022015). Collection method: clinical testing. Allele origin: germline.
Comment: This sequence change replaces glycine with arginine at codon 164 of the ELP1 protein (p.Gly164Arg). The glycine residue is highly conserved and there is a moderate physicochemical difference between glycine and arginine. This variant is not present in population databases (ExAC no frequency). This variant has not been reported in the literature in individuals with ELP1-related conditions. Algorithms developed to predict the effect of missense changes on protein structure and function are either unavailable or do not agree on the potential impact of this missense change (SIFT: "Deleterious"; PolyPhen-2: "Probably Damaging"; Align-GVGD: "Class C15"). In summary, the available evidence is currently insufficient to determine the role of this variant in disease. Therefore, it has been classified as a Variant of Uncertain Significance.

NM_003640.5(ELP1):c.490G>C (p.Gly164Arg)

Gene: ELP1 (elongator acetyltransferase complex subunit 1; minus strand). Cytogenetic location: 9q31.3.
Variant type: single nucleotide variant.
Coding change: c.490G>C on transcript NM_003640.5 (MANE Select); coding-DNA position 490, G replaced by C.
Protein change: p.Gly164Arg; replaces glycine 164 with arginine.
Molecular consequence: missense variant. On other transcripts: 5 prime UTR variant (1).
Genome position (GRCh38, 1-based): chr9:108,922,904, C>G on the plus strand (G>C on the coding strand, the complement: ELP1 is on the minus strand). VCF-style: chr9-108922904-C-G. GRCh37 (hg19) VCF-style: chr9-111685184-C-G.
Other names: c.148G>C, p.Gly50Arg (NM_001318360.2); c.-370G>C (NM_001330749.2); short protein forms G164R, G50R.
Identifiers: ClinVar variation 1445322 (VCV001445322.5), dbSNP rs765765951, ClinGen allele CA197525390.